The following is an entry in ClinVar:

NM_015272.5(RPGRIP1L):c.2428C>T (p.Gln810Ter)

Gene: RPGRIP1L (RPGRIP1 like; minus strand). Cytogenetic location: 16q12.2.
Variant type: single nucleotide variant.
Coding change: c.2428C>T on transcript NM_015272.5 (MANE Select); coding-DNA position 2428, C replaced by T.
Protein change: p.Gln810Ter; replaces glutamine 810 with a stop codon.
Molecular consequence: nonsense.
Genome position (GRCh38, 1-based): chr16:53,645,880, G>A on the plus strand (C>T on the coding strand, the complement: RPGRIP1L is on the minus strand). VCF-style: chr16-53645880-G-A. GRCh37 (hg19) VCF-style: chr16-53679792-G-A.
Other names: c.2428C>T, p.Gln810Ter (NM_001127897.4, NM_001308334.3, NM_001330538.2); short protein forms Q810*.
Identifiers: ClinVar variation 2940155 (VCV002940155.4), dbSNP rs2544106771, ClinGen allele CA395914645.
Genomic context (GRCh38, chr16:53,645,880, plus strand): 5'-TGATAGCTGTATCATGGTCTGCAAAATCAAAAAACTTGTACACAACATATGGGTGTGGCT[G>A]CAGGTGGCTTGCTCGGGACTGCAGGTGGTTGCAACATCTTATTGTAATGTGAAGTTCATT-3'

ClinVar aggregate classification (germline): Pathogenic/Likely pathogenic. Review status: criteria provided, multiple submitters, no conflicts (2 of 4 stars). 2 submissions from 2 submitters: Pathogenic (1); Likely pathogenic (1). Last evaluated 2024-06-06.

Conditions:
Meckel syndrome, type 5 (MKS5). Identifiers: Orphanet 564, MedGen C1969052, MONDO:0012695, OMIM 611561.
Joubert syndrome 7 (JBTS7). Identifiers: Orphanet 220497, MedGen C1969053, MONDO:0012694, OMIM 611560.
COACH syndrome 3. Identifiers: MedGen C5436841, MONDO:0030862, OMIM 619113.
Joubert syndrome. Also called: CEREBELLOPARENCHYMAL DISORDER IV; JOUBERT-BOLTSHAUSER SYNDROME; Familial aplasia of the vermis. Identifiers: Orphanet 475, MedGen C5979921, MONDO:0018772.
Meckel-Gruber syndrome. Also called: DYSENCEPHALIA SPLANCHNOCYSTICA; GRUBER SYNDROME; Dysencephalia splachnocystica. Identifiers: Orphanet 564, MedGen C0265215, MONDO:0018921.

Allele frequency attached by ClinVar (database versions not stated): gnomAD exomes below 0.00001.
gnomAD v4.1: 1 of 1,614,150 alleles (0.000062%); highest among the groups gnomAD compares: Non-Finnish European, 0.000085%; no homozygotes.

Submissions (2):

Fulgent Genetics
Classification: Likely pathogenic for Joubert syndrome 7; Meckel syndrome, type 5; COACH syndrome 3. Last evaluated: 2024-06-06. Review status: criteria provided, single submitter. Criteria: ACMG Guidelines, 2015. Collection method: clinical testing. Allele origin: germline.

Labcorp Genetics (formerly Invitae), Labcorp
Classification: Pathogenic for Joubert syndrome; Meckel-Gruber syndrome. Last evaluated: 2023-10-08. Review status: criteria provided, single submitter. Criteria: Invitae Variant Classification Sherloc (09022015). Collection method: clinical testing. Allele origin: germline.
Comment: This sequence change creates a premature translational stop signal (p.Gln810*) in the RPGRIP1L gene. It is expected to result in an absent or disrupted protein product. Loss-of-function variants in RPGRIP1L are known to be pathogenic (PMID: 17558409). This variant is not present in population databases (gnomAD no frequency). This variant has not been reported in the literature in individuals affected with RPGRIP1L-related conditions. For these reasons, this variant has been classified as Pathogenic.

Literature cited by the submitters: PubMed 17558409 (cited by Labcorp Genetics (formerly Invitae), Labcorp).